The following is an entry in ClinVar:

ClinVar aggregate classification (germline): Conflicting classifications of pathogenicity. Review status: criteria provided, conflicting classifications (1 of 4 stars). 5 submissions from 5 submitters: Uncertain significance (4); Likely benign (1). Last evaluated 2025-12-02.

Conditions:
Pitt-Hopkins-like syndrome 2 (PTHSL2). Identifiers: Orphanet 221150, Orphanet 600663, MedGen C3280479, MONDO:0013690, OMIM 614325.
Inborn genetic diseases. Identifiers: MedGen C0950123, MeSH D030342.

Allele frequency attached by ClinVar (database versions not stated): gnomAD 0.00002; TOPMed 0.00002.
gnomAD v4.1: 45 of 1,612,442 alleles (0.0028%); highest among the groups gnomAD compares: Non-Finnish European, 0.0035%; no homozygotes.

Submissions (5):

Ambry Genetics
Classification: Uncertain significance for Inborn genetic diseases. Last evaluated: 2025-12-02. Review status: criteria provided, single submitter. Criteria: Ambry Variant Classification Scheme 2023. Collection method: clinical testing. Allele origin: germline.

Labcorp Genetics (formerly Invitae), Labcorp
Classification: Uncertain significance for Pitt-Hopkins-like syndrome 2. Last evaluated: 2025-09-03. Review status: criteria provided, single submitter. Criteria: Invitae Variant Classification Sherloc (09022015). Collection method: clinical testing. Allele origin: germline.
Comment: This sequence change replaces lysine, which is basic and polar, with arginine, which is basic and polar, at codon 168 of the NRXN1 protein (p.Lys168Arg). This variant is present in population databases (rs200625614, gnomAD 0.004%). This variant has not been reported in the literature in individuals affected with NRXN1-related conditions. ClinVar contains an entry for this variant (Variation ID: 432850). An algorithm developed to predict the effect of missense changes on protein structure and function (PolyPhen-2) suggests that this variant is likely to be tolerated. In summary, the available evidence is currently insufficient to determine the role of this variant in disease. Therefore, it has been classified as a Variant of Uncertain Significance.

Blueprint Genetics
Classification: Uncertain significance. Last evaluated: 2024-06-21. Review status: criteria provided, single submitter. Criteria: ACMG Guidelines, 2015. Collection method: clinical testing. Allele origin: germline.

GeneDx
Classification: Likely benign. Last evaluated: 2020-01-29. Review status: criteria provided, single submitter. Criteria: GeneDx Variant Classification Process June 2021. Collection method: clinical testing. Allele origin: germline. Affected: yes.

Illumina Laboratory Services, Illumina
Classification: Uncertain significance for Pitt-Hopkins-like syndrome 2. Last evaluated: 2018-01-12. Review status: criteria provided, single submitter. Criteria: ICSL Variant Classification Criteria 13 December 2019. Collection method: clinical testing. Allele origin: germline.

NM_001330078.2(NRXN1):c.503A>G (p.Lys168Arg)

Gene: NRXN1 (neurexin 1; minus strand). Cytogenetic location: 2p16.3.
Variant type: single nucleotide variant.
Coding change: c.503A>G on transcript NM_001330078.2 (MANE Select); coding-DNA position 503, A replaced by G.
Protein change: p.Lys168Arg; replaces lysine 168 with arginine.
Molecular consequence: missense variant.
Genome position (GRCh38, 1-based): chr2:51,027,771, T>C on the plus strand (A>G on the coding strand, the complement: NRXN1 is on the minus strand). VCF-style: chr2-51027771-T-C. GRCh37 (hg19) VCF-style: chr2-51254909-T-C.
Other names: c.503A>G, p.Lys168Arg (NM_001135659.3, NM_001330077.2, NM_001330079.2 and 15 more transcripts); short protein forms K168R.
Identifiers: ClinVar variation 432850 (VCV000432850.15), dbSNP rs200625614, ClinGen allele CA48054902.